The following is an entry in ClinVar:

ClinVar aggregate classification (germline): Uncertain significance (1 of 4 stars; one submission).

Submission:

Labcorp Genetics (formerly Invitae), Labcorp
Classification: Uncertain significance. Last evaluated: 2025-01-29. Review status: criteria provided, single submitter. Criteria: Invitae Variant Classification Sherloc (09022015). Collection method: clinical testing. Allele origin: germline.
Comment: This sequence change replaces lysine, which is basic and polar, with arginine, which is basic and polar, at codon 388 of the TGFB1 protein (p.Lys388Arg). This variant is not present in population databases (gnomAD no frequency). This variant has not been reported in the literature in individuals affected with TGFB1-related conditions. Invitae Evidence Modeling of protein sequence and biophysical properties (such as structural, functional, and spatial information, amino acid conservation, physicochemical variation, residue mobility, and thermodynamic stability) indicates that this missense variant is not expected to disrupt TGFB1 protein function with a negative predictive value of 80%. Algorithms developed to predict the effect of sequence changes on RNA splicing suggest that this variant may create or strengthen a splice site. In summary, the available evidence is currently insufficient to determine the role of this variant in disease. Therefore, it has been classified as a Variant of Uncertain Significance.

NM_000660.7(TGFB1):c.1163A>G (p.Lys388Arg)

Gene: TGFB1 (transforming growth factor beta 1; minus strand). Cytogenetic location: 19q13.2.
Variant type: single nucleotide variant.
Coding change: c.1163A>G on transcript NM_000660.7 (MANE Select); coding-DNA position 1163, A replaced by G.
Protein change: p.Lys388Arg; replaces lysine 388 with arginine.
Molecular consequence: missense variant.
Genome position (GRCh38, 1-based): chr19:41,331,062, T>C on the plus strand (A>G on the coding strand, the complement: TGFB1 is on the minus strand). VCF-style: chr19-41331062-T-C. GRCh37 (hg19) VCF-style: chr19-41836967-T-C.
Other names: short protein forms K388R.
Identifiers: ClinVar variation 3632147 (VCV003632147.2).